The following is an entry in ClinVar:

ClinVar aggregate classification (germline): Uncertain significance (1 of 4 stars; one submission).

Conditions:
Emery-Dreifuss muscular dystrophy 5, autosomal dominant (EDMD5). Also called: EMERY-DREIFUSS MUSCULAR DYSTROPHY 5. Identifiers: Orphanet 261, MedGen C2751805, MONDO:0013072, OMIM 612999.

Submission:

Labcorp Genetics (formerly Invitae), Labcorp
Classification: Uncertain significance for Emery-Dreifuss muscular dystrophy 5, autosomal dominant. Last evaluated: 2022-03-12. Review status: criteria provided, single submitter. Criteria: Invitae Variant Classification Sherloc (09022015). Collection method: clinical testing. Allele origin: germline.
Comment: Algorithms developed to predict the effect of missense changes on protein structure and function are either unavailable or do not agree on the potential impact of this missense change (SIFT: "Deleterious"; PolyPhen-2: "Probably Damaging"; Align-GVGD: "Class C15"). In summary, the available evidence is currently insufficient to determine the role of this variant in disease. Therefore, it has been classified as a Variant of Uncertain Significance. This variant has not been reported in the literature in individuals affected with SYNE2-related conditions. This variant is not present in population databases (gnomAD no frequency). This sequence change replaces arginine, which is basic and polar, with isoleucine, which is neutral and non-polar, at codon 5192 of the SYNE2 protein (p.Arg5192Ile).

NM_182914.3(SYNE2):c.15575G>T (p.Arg5192Ile)

Gene: SYNE2 (spectrin repeat containing nuclear envelope protein 2; plus strand). Cytogenetic location: 14q23.2.
Variant type: single nucleotide variant.
Coding change: c.15575G>T on transcript NM_182914.3 (MANE Select); coding-DNA position 15575, G replaced by T.
Protein change: p.Arg5192Ile; replaces arginine 5192 with isoleucine.
Molecular consequence: missense variant.
Genome position (GRCh38, 1-based): chr14:64,146,159, G>T. VCF-style: chr14-64146159-G-T. GRCh37 (hg19) VCF-style: chr14-64612877-G-T.
Other names: c.15575G>T, p.Arg5192Ile (NM_015180.6); short protein forms R5192I.
Identifiers: ClinVar variation 1923028 (VCV001923028.5), dbSNP rs2549416742, ClinGen allele CA389947265.